The following is an entry in ClinVar:

ClinVar aggregate classification (germline): Conflicting classifications of pathogenicity. Review status: criteria provided, conflicting classifications (1 of 4 stars). 2 submissions from 2 submitters: Uncertain significance (1); Likely benign (1). Last evaluated 2026-05-08.

Conditions:
Inborn genetic diseases. Identifiers: MedGen C0950123, MeSH D030342.
Acute myeloid leukemia (AML). Also called: Acute myeloid leukemia, adult; AML adult; Acute non-lymphocytic leukemia; Acute granulocytic leukemia; Leukemia, acute myeloid, somatic; Leukemia, acute myelogenous, somatic. Identifiers: Orphanet 519, MedGen C0023467, MeSH D015470, MONDO:0018874, OMIM 601626, HP:0004808. Disease mechanism: Constitutively activated FLT3.

Submissions (2):

Ambry Genetics
Classification: Likely benign for Inborn genetic diseases. Last evaluated: 2026-05-08. Review status: criteria provided, single submitter. Criteria: Ambry Variant Classification Scheme 2023. Collection method: clinical testing. Allele origin: germline.

Labcorp Genetics (formerly Invitae), Labcorp
Classification: Uncertain significance for Acute myeloid leukemia. Last evaluated: 2023-01-15. Review status: criteria provided, single submitter. Criteria: Invitae Variant Classification Sherloc (09022015). Collection method: clinical testing. Allele origin: germline.
Comment: In summary, the available evidence is currently insufficient to determine the role of this variant in disease. Therefore, it has been classified as a Variant of Uncertain Significance. Algorithms developed to predict the effect of missense changes on protein structure and function (SIFT, PolyPhen-2, Align-GVGD) all suggest that this variant is likely to be tolerated. This variant has not been reported in the literature in individuals affected with CEBPA-related conditions. This variant is not present in population databases (gnomAD no frequency). This sequence change replaces serine, which is neutral and polar, with glycine, which is neutral and non-polar, at codon 234 of the CEBPA protein (p.Ser234Gly).

NM_004364.5(CEBPA):c.700A>G (p.Ser234Gly)

Gene: CEBPA (CCAAT enhancer binding protein alpha; minus strand). Cytogenetic location: 19q13.11.
Variant type: single nucleotide variant.
Coding change: c.700A>G on transcript NM_004364.5 (MANE Select); coding-DNA position 700, A replaced by G.
Protein change: p.Ser234Gly; replaces serine 234 with glycine.
Molecular consequence: missense variant.
Genome position (GRCh38, 1-based): chr19:33,301,715, T>C on the plus strand (A>G on the coding strand, the complement: CEBPA is on the minus strand). VCF-style: chr19-33301715-T-C. GRCh37 (hg19) VCF-style: chr19-33792621-T-C.
Other names: c.343A>G, p.Ser115Gly (NM_001285829.2); c.805A>G, p.Ser269Gly (NM_001287424.2); c.658A>G, p.Ser220Gly (NM_001287435.2); short protein forms S220G, S115G, S269G, S234G.
Identifiers: ClinVar variation 2828773 (VCV002828773.4), dbSNP rs2513329575, ClinGen allele CA405274391.